The following is an entry in ClinVar:

NM_000836.4(GRIN2D):c.2405C>T (p.Pro802Leu)

Gene: GRIN2D (glutamate ionotropic receptor NMDA type subunit 2D; plus strand). Cytogenetic location: 19q13.33.
Variant type: single nucleotide variant.
Coding change: c.2405C>T on transcript NM_000836.4 (MANE Select); coding-DNA position 2405, C replaced by T.
Protein change: p.Pro802Leu; replaces proline 802 with leucine.
Molecular consequence: missense variant.
Genome position (GRCh38, 1-based): chr19:48,441,921, C>T. VCF-style: chr19-48441921-C-T. GRCh37 (hg19) VCF-style: chr19-48945178-C-T.
Other names: short protein forms P802L.
Identifiers: ClinVar variation 2885209 (VCV002885209.3), dbSNP rs376705334, ClinGen allele CA9550725.

ClinVar aggregate classification (germline): Uncertain significance (1 of 4 stars; one submission).

Allele frequency attached by ClinVar (database versions not stated): ExAC 0.00001; gnomAD 0.00001; TOPMed 0.00001; ESP Exome Variant Server 0.00008.
gnomAD v4.1: 1 of 1,610,790 alleles (0.000062%); highest among the groups gnomAD compares: African/African-American, 0.0013%; no homozygotes.

Submission:

Labcorp Genetics (formerly Invitae), Labcorp
Classification: Uncertain significance. Last evaluated: 2024-01-16. Review status: criteria provided, single submitter. Criteria: Invitae Variant Classification Sherloc (09022015). Collection method: clinical testing. Allele origin: germline.
Comment: This sequence change replaces proline, which is neutral and non-polar, with leucine, which is neutral and non-polar, at codon 802 of the GRIN2D protein (p.Pro802Leu). The frequency data for this variant in the population databases is considered unreliable, as metrics indicate poor data quality at this position in the gnomAD database. This variant has not been reported in the literature in individuals affected with GRIN2D-related conditions. Advanced modeling of protein sequence and biophysical properties (such as structural, functional, and spatial information, amino acid conservation, physicochemical variation, residue mobility, and thermodynamic stability) performed at Invitae indicates that this missense variant is not expected to disrupt GRIN2D protein function with a negative predictive value of 80%. In summary, the available evidence is currently insufficient to determine the role of this variant in disease. Therefore, it has been classified as a Variant of Uncertain Significance.